The following is an entry in ClinVar:

NM_030632.3(ASXL3):c.675A>G (p.Gln225=)

Gene: ASXL3 (ASXL transcriptional regulator 3; plus strand). Cytogenetic location: 18q12.1.
Variant type: single nucleotide variant.
Coding change: c.675A>G on transcript NM_030632.3 (MANE Select); coding-DNA position 675, A replaced by G.
Protein change: p.Gln225=; no amino-acid change (glutamine 225 retained).
Molecular consequence: synonymous variant.
Genome position (GRCh38, 1-based): chr18:33,671,826, A>G. VCF-style: chr18-33671826-A-G. GRCh37 (hg19) VCF-style: chr18-31251790-A-G.
Identifiers: ClinVar variation 2572917 (VCV002572917.1), dbSNP rs2510931500, ClinGen allele CA503617920.

ClinVar aggregate classification (germline): Uncertain significance (1 of 4 stars; one submission).

Submission:

GeneDx
Classification: Uncertain significance. Last evaluated: 2023-01-17. Review status: criteria provided, single submitter. Criteria: GeneDx Variant Classification Process June 2021. Collection method: clinical testing. Allele origin: germline. Affected: yes.
Comment: Not observed at significant frequency in large population cohorts (gnomAD); In silico analysis supports that this variant does not alter splicing; Has not been previously published as pathogenic or benign to our knowledge